The following is an entry in ClinVar:

ClinVar aggregate classification (germline): Uncertain significance. Review status: criteria provided, multiple submitters, no conflicts (2 of 4 stars). 2 submissions from 2 submitters: Uncertain significance (2). Last evaluated 2025-10-29.

Conditions:
Inborn genetic diseases. Identifiers: MedGen C0950123, MeSH D030342.

Submissions (2):

Ambry Genetics
Classification: Uncertain significance for Inborn genetic diseases. Last evaluated: 2025-10-29. Review status: criteria provided, single submitter. Criteria: Ambry Variant Classification Scheme 2023. Collection method: clinical testing. Allele origin: germline.

Labcorp Genetics (formerly Invitae), Labcorp
Classification: Uncertain significance. Last evaluated: 2024-09-17. Review status: criteria provided, single submitter. Criteria: Invitae Variant Classification Sherloc (09022015). Collection method: clinical testing. Allele origin: germline.
Comment: This sequence change replaces serine, which is neutral and polar, with tyrosine, which is neutral and polar, at codon 662 of the NEFH protein (p.Ser662Tyr). This variant is not present in population databases (gnomAD no frequency). This variant has not been reported in the literature in individuals affected with NEFH-related conditions. Invitae Evidence Modeling of protein sequence and biophysical properties (such as structural, functional, and spatial information, amino acid conservation, physicochemical variation, residue mobility, and thermodynamic stability) indicates that this missense variant is not expected to disrupt NEFH protein function with a negative predictive value of 95%. In summary, the available evidence is currently insufficient to determine the role of this variant in disease. Therefore, it has been classified as a Variant of Uncertain Significance.

NM_021076.4(NEFH):c.1985C>A (p.Ser662Tyr)

Gene: NEFH (neurofilament heavy chain; plus strand). Cytogenetic location: 22q12.2.
Variant type: single nucleotide variant.
Coding change: c.1985C>A on transcript NM_021076.4 (MANE Select); coding-DNA position 1985, C replaced by A.
Protein change: p.Ser662Tyr; replaces serine 662 with tyrosine.
Molecular consequence: missense variant.
Genome position (GRCh38, 1-based): chr22:29,489,625, C>A. VCF-style: chr22-29489625-C-A. GRCh37 (hg19) VCF-style: chr22-29885614-C-A.
Other names: c.1985C>A (NM_021076.3); short protein forms S662Y.
Identifiers: ClinVar variation 3675065 (VCV003675065.3).
Genomic context (GRCh38, chr22:29,489,625, plus strand): 5'-CGAAGGAGGAAGCAAAGTCCCCTGAGAAGGCCAAGTCCCCAGAGAAGGAAGAGGCCAAGT[C>A]CCCTGAGAAGGCCAAGTCCCCAGTGAAGGCAGAAGCAAAGTCCCCTGAGAAGGCCAAGTC-3'
Protein context (NP_066554.2, residues 652-672): AKSPEKEEAK[Ser662Tyr]PEKAKSPVKA